The following is an entry in ClinVar:

ClinVar aggregate classification (germline): Pathogenic (1 of 4 stars; one submission).

Conditions:
Primary ciliary dyskinesia 19. Also called: CILIARY DYSKINESIA, PRIMARY, 19, WITH OR WITHOUT SITUS INVERSUS. Identifiers: Orphanet 244, MedGen C3543826, MONDO:0013979, OMIM 614935.

Submission:

Labcorp Genetics (formerly Invitae), Labcorp
Classification: Pathogenic for Primary ciliary dyskinesia 19. Last evaluated: 2017-11-04. Review status: criteria provided, single submitter. Criteria: Invitae Variant Classification Sherloc (09022015). Collection method: clinical testing. Allele origin: germline.
Comment: This sequence change creates a premature translational stop signal (p.Tyr211*) in the LRRC6 gene. It is expected to result in an absent or disrupted protein product. This variant is not present in population databases (ExAC no frequency). This variant has not been reported in the literature in individuals with LRRC6-related disease. Algorithms developed to predict the effect of sequence changes on RNA splicing suggest that this variant may create or strengthen a splice site, but this prediction has not been confirmed by published transcriptional studies. Loss-of-function variants in LRRC6 are known to be pathogenic (PMID: 23122589). For these reasons, this variant has been classified as Pathogenic.

Literature cited by the submitters: PubMed 23122589.

NM_012472.6(DNAAF11):c.633C>A (p.Tyr211Ter)

Gene: DNAAF11 (dynein axonemal assembly factor 11; minus strand). Cytogenetic location: 8q24.22.
Variant type: single nucleotide variant.
Coding change: c.633C>A on transcript NM_012472.6 (MANE Select); coding-DNA position 633, C replaced by A.
Protein change: p.Tyr211Ter; replaces tyrosine 211 with a stop codon.
Molecular consequence: nonsense. On other transcripts: non-coding transcript variant (1).
Genome position (GRCh38, 1-based): chr8:132,632,760, G>T on the plus strand (C>A on the coding strand, the complement: DNAAF11 is on the minus strand). VCF-style: chr8-132632760-G-T. GRCh37 (hg19) VCF-style: chr8-133645006-G-T.
Other names: c.387C>A, p.Tyr129Ter (NM_001321962.2); c.273C>A, p.Tyr91Ter (NM_001321963.2, NM_001321964.2, NM_001321965.2 and 1 more transcripts); c.633C>A, p.Tyr211Ter (NM_001321961.2); short protein forms Y211*, Y129*, Y91*.
Identifiers: ClinVar variation 540325 (VCV000540325.3), dbSNP rs750603177, ClinGen allele CA372294975.